The following is an entry in ClinVar:

ClinVar aggregate classification (germline): Uncertain significance. Review status: criteria provided, multiple submitters, no conflicts (2 of 4 stars). 2 submissions from 2 submitters: Uncertain significance (2). Last evaluated 2023-02-16.

Conditions:
Familial hypocalciuric hypercalcemia (FHH). Also called: Familial benign hypercalcemia. Identifiers: Orphanet 405, MedGen C1809471, MONDO:0018458.
Autosomal dominant hypocalcemia 1 (HYPOC1). Also called: HYPOCALCEMIA, FAMILIAL. Identifiers: MedGen C3715128, MONDO:0011013, OMIM 601198.
Nephrolithiasis/nephrocalcinosis. Identifiers: MedGen CN580796.

Allele frequency attached by ClinVar (database versions not stated): ExAC 0.00001.

Submissions (2):

Labcorp Genetics (formerly Invitae), Labcorp
Classification: Uncertain significance for Familial hypocalciuric hypercalcemia; Autosomal dominant hypocalcemia 1. Last evaluated: 2023-02-16. Review status: criteria provided, single submitter. Criteria: Invitae Variant Classification Sherloc (09022015). Collection method: clinical testing. Allele origin: germline.
Comment: ClinVar contains an entry for this variant (Variation ID: 1796762). This variant has not been reported in the literature in individuals affected with CASR-related conditions. In summary, the available evidence is currently insufficient to determine the role of this variant in disease. Therefore, it has been classified as a Variant of Uncertain Significance. Algorithms developed to predict the effect of missense changes on protein structure and function output the following: SIFT: "Not Available"; PolyPhen-2: "Benign"; Align-GVGD: "Not Available". The alanine amino acid residue is found in multiple mammalian species, which suggests that this missense change does not adversely affect protein function. This variant is not present in population databases (gnomAD no frequency). This sequence change replaces threonine, which is neutral and polar, with alanine, which is neutral and non-polar, at codon 949 of the CASR protein (p.Thr949Ala).

Ambry Genetics
Classification: Uncertain significance for Nephrolithiasis/nephrocalcinosis. Last evaluated: 2021-12-25. Review status: criteria provided, single submitter. Criteria: Ambry Variant Classification Scheme 2023. Collection method: clinical testing. Allele origin: germline.
Comment: The p.T949A variant (also known as c.2845A>G), located in coding exon 6 of the CASR gene, results from an A to G substitution at nucleotide position 2845. The threonine at codon 949 is replaced by alanine, an amino acid with similar properties. This amino acid position is conserved. In addition, this alteration is predicted to be tolerated by in silico analysis. Since supporting evidence is limited at this time, the clinical significance of this alteration remains unclear.

NM_000388.4(CASR):c.2845A>G (p.Thr949Ala)

Gene: CASR (calcium sensing receptor; plus strand). Cytogenetic location: 3q21.1.
Variant type: single nucleotide variant.
Coding change: c.2845A>G on transcript NM_000388.4 (MANE Select); coding-DNA position 2845, A replaced by G.
Protein change: p.Thr949Ala; replaces threonine 949 with alanine.
Molecular consequence: missense variant.
Genome position (GRCh38, 1-based): chr3:122,284,799, A>G. VCF-style: chr3-122284799-A-G. GRCh37 (hg19) VCF-style: chr3-122003646-A-G.
Other names: c.2875A>G, p.Thr959Ala (NM_001178065.2); short protein forms T959A, T949A.
Identifiers: ClinVar variation 1796762 (VCV001796762.5), dbSNP rs765777573, ClinGen allele CA2569879.